The following is an entry in ClinVar:

NM_006005.3(WFS1):c.304G>A (p.Ala102Thr)

Gene: WFS1 (wolframin ER transmembrane glycoprotein; plus strand). Cytogenetic location: 4p16.1.
Variant type: single nucleotide variant.
Coding change: c.304G>A on transcript NM_006005.3 (MANE Select); coding-DNA position 304, G replaced by A.
Protein change: p.Ala102Thr; replaces alanine 102 with threonine.
Molecular consequence: missense variant.
Genome position (GRCh38, 1-based): chr4:6,287,164, G>A. VCF-style: chr4-6287164-G-A. GRCh37 (hg19) VCF-style: chr4-6288891-G-A.
Other names: c.304G>A, p.Ala102Thr (NM_001145853.1); short protein forms A102T.
Identifiers: ClinVar variation 1395184 (VCV001395184.13), dbSNP rs1252423572, ClinGen allele CA356171001.
Genomic context (GRCh38, chr4:6,287,164, plus strand): 5'-GGAGACATGGAAATCCCCTTTGAAGAAGTCCTGGAGAGGGCCAAGGCCGGGGACCCCAAG[G>A]CACAGACTGAGGTGAGGACTGCGGTGCCGGCAGGGACTTCGGGACGCGGCCCCCGGCACA-3'
Protein context (NP_005996.2, residues 92-112): LERAKAGDPK[Ala102Thr]QTEVGKHYLQ

ClinVar aggregate classification (germline): Uncertain significance. Review status: criteria provided, multiple submitters, no conflicts (2 of 4 stars). 6 submissions from 6 submitters: Uncertain significance (6). Last evaluated 2025-12-31.

Conditions:
WFS1-related disorder. Identifiers: MedGen CN379391, MONDO:0700293.
Inborn genetic diseases. Identifiers: MedGen C0950123, MeSH D030342.
Cataract 41 (CTRCT41). Also called: CATARACT 41, CONGENITAL NUCLEAR TYPE. Identifiers: Orphanet 91492, Orphanet 98991, Orphanet 98992, Orphanet 98995, MedGen C3805412, MONDO:0007287, OMIM 116400.
Autosomal dominant nonsyndromic hearing loss 6 (LFSNHL). Also called: Autosomal dominant nonsyndromic deafness 6; DEAFNESS, AUTOSOMAL DOMINANT 6; DEAFNESS, AUTOSOMAL DOMINANT 14; DEAFNESS, AUTOSOMAL DOMINANT 38. Identifiers: Orphanet 90635, MedGen C1833021, MONDO:0010963, OMIM 600965.
Type 2 diabetes mellitus. Also called: Type II diabetes mellitus. Identifiers: MedGen C0011860, MeSH D003924, MONDO:0005148, OMIM 125853, HP:0005978.
Wolfram-like syndrome. Also called: HEARING LOSS, PROGRESSIVE, WITH OPTIC ATROPHY AND/OR IMPAIRED GLUCOSE REGULATION. Identifiers: Orphanet 411590, MedGen C3280358, MONDO:0013673, OMIM 614296.
Wolfram syndrome 1 (WFS1). Identifiers: Orphanet 3463, MedGen C4551693, MONDO:0009101, OMIM 222300.

Allele frequency attached by ClinVar (database versions not stated): gnomAD exomes 0.00001 and 0.00002.
gnomAD v4.1: 3 of 1,559,328 alleles (0.00019%); highest among the groups gnomAD compares: Admixed American, 0.0058%; no homozygotes.

Submissions (6):

PreventionGenetics, part of Exact Sciences
Classification: Uncertain significance for WFS1-related condition. Last evaluated: 2025-12-31. Review status: criteria provided, single submitter. Criteria: ACMG Guidelines, 2015. Collection method: clinical testing. Allele origin: germline.
Comment: The WFS1 c.304G>A variant is predicted to result in the amino acid substitution p.Ala102Thr. To our knowledge, this variant has not been reported in the literature. This variant is reported in 0.0080% of alleles in individuals of Latino descent in gnomAD. At this time, the clinical significance of this variant is uncertain due to the absence of conclusive functional and genetic evidence.

GeneDx
Classification: Uncertain significance. Last evaluated: 2024-06-05. Review status: criteria provided, single submitter. Criteria: GeneDx Variant Classification Process June 2021. Collection method: clinical testing. Allele origin: germline. Affected: yes.
Comment: In silico analysis indicates that this missense variant does not alter protein structure/function; Has not been previously published as pathogenic or benign to our knowledge

Labcorp Genetics (formerly Invitae), Labcorp
Classification: Uncertain significance. Last evaluated: 2024-02-23. Review status: criteria provided, single submitter. Criteria: Invitae Variant Classification Sherloc (09022015). Collection method: clinical testing. Allele origin: germline.
Comment: This sequence change replaces alanine, which is neutral and non-polar, with threonine, which is neutral and polar, at codon 102 of the WFS1 protein (p.Ala102Thr). The frequency data for this variant in the population databases is considered unreliable, as metrics indicate poor data quality at this position in the gnomAD database. This variant has not been reported in the literature in individuals affected with WFS1-related conditions. ClinVar contains an entry for this variant (Variation ID: 1395184). Advanced modeling of protein sequence and biophysical properties (such as structural, functional, and spatial information, amino acid conservation, physicochemical variation, residue mobility, and thermodynamic stability) has been performed at Invitae for this missense variant, however the output from this modeling did not meet the statistical confidence thresholds required to predict the impact of this variant on WFS1 protein function. In summary, the available evidence is currently insufficient to determine the role of this variant in disease. Therefore, it has been classified as a Variant of Uncertain Significance.

Blueprint Genetics
Classification: Uncertain significance. Last evaluated: 2022-03-06. Review status: criteria provided, single submitter. Criteria: ACMG Guidelines, 2015. Collection method: clinical testing. Allele origin: germline.

Fulgent Genetics
Classification: Uncertain significance for Cataract 41; Type 2 diabetes mellitus; Wolfram syndrome 1; Autosomal dominant nonsyndromic hearing loss 6; Wolfram-like syndrome. Last evaluated: 2021-12-27. Review status: criteria provided, single submitter. Criteria: ACMG Guidelines, 2015. Collection method: clinical testing. Allele origin: unknown.

Ambry Genetics
Classification: Uncertain significance for Inborn genetic diseases. Last evaluated: 2021-05-24. Review status: criteria provided, single submitter. Criteria: Ambry Variant Classification Scheme 2023. Collection method: clinical testing. Allele origin: germline.